The following is an entry in ClinVar:

NM_170606.3(KMT2C):c.13642T>G (p.Phe4548Val)

Gene: KMT2C (lysine methyltransferase 2C; minus strand). Cytogenetic location: 7q36.1.
Variant type: single nucleotide variant.
Coding change: c.13642T>G on transcript NM_170606.3 (MANE Select); coding-DNA position 13642, T replaced by G.
Protein change: p.Phe4548Val; replaces phenylalanine 4548 with valine.
Molecular consequence: missense variant.
Genome position (GRCh38, 1-based): chr7:152,148,285, A>C on the plus strand (T>G on the coding strand, the complement: KMT2C is on the minus strand). VCF-style: chr7-152148285-A-C. GRCh37 (hg19) VCF-style: chr7-151845370-A-C.
Other names: short protein forms F4548V.
Identifiers: ClinVar variation 4975854 (VCV004975854.1).
Genomic context (GRCh38, chr7:152,148,285, plus strand): 5'-CTTGCATCTGCTGTGGAAGCAGCTGACCAATTGTGTGGAAGATGAGGCTACCCACGCGAA[A>C]GGTATGGTCCCGTTCTCCTCGTTGCACGATGCTAGCAATCTGTCGCACCTCATCACGCTG-3'
Protein context (NP_733751.2, residues 4538-4558): IVQRGERDHT[Phe4548Val]RVGSLIFHTI

ClinVar aggregate classification (germline): Uncertain significance (1 of 4 stars; one submission).

gnomAD v4.1: 7 of 1,614,260 alleles (0.00043%); highest among the groups gnomAD compares: Non-Finnish European, 0.00059%; no homozygotes.

Submission:

GeneDx
Classification: Uncertain significance. Last evaluated: 2026-02-02. Review status: criteria provided, single submitter. Criteria: GeneDx Variant Classification Process June 2021. Collection method: clinical testing. Allele origin: germline.
Comment: Not observed at significant frequency in large population cohorts (gnomAD); In silico analysis supports that this missense variant has a deleterious effect on protein structure/function; Has not been previously published as pathogenic or benign to our knowledge